The following is an entry in ClinVar:

ClinVar aggregate classification (germline): Benign. Review status: criteria provided, multiple submitters, no conflicts (2 of 4 stars). 3 submissions from 3 submitters: Benign (2). 1 of the submissions does not count toward it. Last evaluated 2025-12-19.

Conditions:
MTOR-related disorder. Also called: MTOR-related condition.

Allele frequency attached by ClinVar (database versions not stated): gnomAD exomes 0.00004 and 0.00007; ExAC 0.00008; ESP Exome Variant Server 0.00015; gnomAD 0.00033 and 0.00035; TOPMed 0.00038; 1000 Genomes Project 0.00040; 1000 Genomes Project 30x 0.00062.
gnomAD v4.1: 106 of 1,613,746 alleles (0.0066%); highest among the groups gnomAD compares: African/African-American, 0.13%; 1 homozygote.

Submissions (3):

Labcorp Genetics (formerly Invitae), Labcorp
Classification: Benign. Last evaluated: 2025-12-19. Review status: criteria provided, single submitter. Criteria: Invitae Variant Classification Sherloc (09022015). Collection method: clinical testing. Allele origin: germline.

GeneDx
Classification: Benign. Last evaluated: 2020-09-01. Review status: criteria provided, single submitter. Criteria: GeneDx Variant Classification Process June 2021. Collection method: clinical testing. Allele origin: germline. Affected: yes.

PreventionGenetics, part of Exact Sciences
Classification: Likely benign for MTOR-related condition. Last evaluated: 2024-01-03. Review status: no assertion criteria provided. Collection method: clinical testing. Allele origin: germline. Not counted in ClinVar's aggregate classification.
Comment: This variant is classified as likely benign based on ACMG/AMP sequence variant interpretation guidelines (Richards et al. 2015 PMID: 25741868, with internal and published modifications).

NM_004958.4(MTOR):c.3802-4A>G

Gene: MTOR (mechanistic target of rapamycin kinase; minus strand). Cytogenetic location: 1p36.22.
Variant type: single nucleotide variant.
Coding change: c.3802-4A>G on transcript NM_004958.4 (MANE Select); 4 bases into the intron before coding-DNA position 3802, A replaced by G.
Molecular consequence: intron variant.
Genome position (GRCh38, 1-based): chr1:11,204,707, T>C on the plus strand (A>G on the coding strand, the complement: MTOR is on the minus strand). VCF-style: chr1-11204707-T-C. GRCh37 (hg19) VCF-style: chr1-11264764-T-C.
Identifiers: ClinVar variation 700061 (VCV000700061.16), dbSNP rs74052909, ClinGen allele CA590113.